The following is an entry in ClinVar:

ClinVar aggregate classification (germline): Conflicting classifications of pathogenicity. Review status: criteria provided, conflicting classifications (1 of 4 stars). 7 submissions from 7 submitters: Uncertain significance (2); Benign (1); Likely benign (3). 1 of the submissions does not count toward it. Last evaluated 2025-07-03.

Conditions:
SLC17A8-related disorder. Also called: SLC17A8-related condition.
Autosomal dominant nonsyndromic hearing loss 25. Identifiers: Orphanet 90635, MedGen C1854158, MONDO:0011568, OMIM 605583.

Allele frequency attached by ClinVar (database versions not stated): TOPMed 0.00030; gnomAD 0.00078 and 0.00093; 1000 Genomes Project 30x 0.00203; 1000 Genomes Project 0.00220.
gnomAD v4.1: 877 of 1,614,112 alleles (0.054%); highest among the groups gnomAD compares: East Asian, 0.42%; 5 homozygotes.

Submissions (7):

Labcorp Genetics (formerly Invitae), Labcorp
Classification: Likely benign. Last evaluated: 2025-07-03. Review status: criteria provided, single submitter. Criteria: Invitae Variant Classification Sherloc (09022015). Collection method: clinical testing. Allele origin: germline.

Blueprint Genetics
Classification: Likely benign. Last evaluated: 2024-11-08. Review status: criteria provided, single submitter. Criteria: ACMG Guidelines, 2015. Collection method: clinical testing. Allele origin: germline.

Foundation for Research in Genetics and Endocrinology, FRIGE's Institute of Human Genetics
Classification: Uncertain significance for Autosomal dominant nonsyndromic hearing loss 25. Last evaluated: 2020-04-22. Review status: criteria provided, single submitter. Criteria: ACMG Guidelines, 2015. Collection method: clinical testing. Allele origin: germline. Inheritance: Autosomal dominant inheritance. Affected: yes. Observed: 1 heterozygote.
Comment: A heterozygous missense variation in exon 9 of the SLC17A5 gene that results in the amino acid substitution of Serine for Alanine at codon 374 was detected. The observed variant c.1120G>T (p.Ala374Ser) has a minor allele frequency of 0.2% and 0.12% in the 1000 genomes and ExAC databases respectively. The observed variant has previously been reported in a patient affected with deafness (Miyagawa et al. 2013) and is reported as a variant of uncertain significance in the ClinVar database. The in silico prediction of the variant are possibly damaging by PolyPhen-2 (HumDiv) and damaging by SIFT, LRT and MutationTaster2. The reference codon is conserved across species. In summary, the variant meets our criteria to be classified as a variant of uncertain significance.

GeneDx
Classification: Benign. Last evaluated: 2019-11-25. Review status: criteria provided, single submitter. Criteria: GeneDx Variant Classification Process June 2021. Collection method: clinical testing. Allele origin: germline. Affected: yes.
Comment: This variant is associated with the following publications: (PMID: 23967202, 30245029)

Illumina Laboratory Services, Illumina
Classification: Likely benign for Autosomal dominant nonsyndromic hearing loss 25. Last evaluated: 2018-01-12. Review status: criteria provided, single submitter. Criteria: ICSL Variant Classification Criteria 13 December 2019. Collection method: clinical testing. Allele origin: germline.
Comment: This variant was observed in the ICSL laboratory as part of a predisposition screen in an ostensibly healthy population. It had not been previously curated by ICSL or reported in the Human Gene Mutation Database (HGMD: prior to June 1st, 2018), and was therefore a candidate for classification through an automated scoring system. Utilizing variant allele frequency, disease prevalence and penetrance estimates, and inheritance mode, an automated score was calculated to assess if this variant is too frequent to cause the disease. Based on the score and internal cut-off values, a variant classified as likely benign is not then subjected to further curation. The score for this variant resulted in a classification of likely benign for this disease.

Soonchunhyang University Bucheon Hospital, Soonchunhyang University Medical Center
Classification: Uncertain significance for Autosomal dominant nonsyndromic hearing loss 25. Last evaluated: 2016-03-18. Review status: criteria provided, single submitter. Criteria: ACMG Guidelines, 2015. Collection method: reference population. Allele origin: germline. Observed: 2 variant alleles.

PreventionGenetics, part of Exact Sciences
Classification: Likely benign for SLC17A8-related condition. Last evaluated: 2022-04-05. Review status: no assertion criteria provided. Collection method: clinical testing. Allele origin: germline. Not counted in ClinVar's aggregate classification.
Comment: This variant is classified as likely benign based on ACMG/AMP sequence variant interpretation guidelines (Richards et al. 2015 PMID: 25741868, with internal and published modifications).

Literature cited by the submitters: PubMed 23967202 (cited by Soonchunhyang University Bucheon Hospital, Soonchunhyang University Medical Center).

NM_139319.3(SLC17A8):c.1120G>T (p.Ala374Ser)

Gene: SLC17A8 (solute carrier family 17 member 8; plus strand). Cytogenetic location: 12q23.1.
Variant type: single nucleotide variant.
Coding change: c.1120G>T on transcript NM_139319.3 (MANE Select); coding-DNA position 1120, G replaced by T.
Protein change: p.Ala374Ser; replaces alanine 374 with serine.
Molecular consequence: missense variant.
Genome position (GRCh38, 1-based): chr12:100,404,104, G>T. VCF-style: chr12-100404104-G-T. GRCh37 (hg19) VCF-style: chr12-100797882-G-T.
Other names: c.970G>T, p.Ala324Ser (NM_001145288.2); short protein forms A374S, A324S.
Identifiers: ClinVar variation 225471 (VCV000225471.16), dbSNP rs138307707, ClinGen allele CA6738937.